The following is an entry in ClinVar:

ClinVar aggregate classification (germline): Uncertain significance (1 of 4 stars; one submission).

Submission:

GeneDx
Classification: Uncertain significance. Last evaluated: 2026-03-13. Review status: criteria provided, single submitter. Criteria: GeneDx Variant Classification Process June 2021. Collection method: clinical testing. Allele origin: germline.
Comment: Not observed at significant frequency in large population cohorts (gnomAD); In silico analysis supports that this missense variant has a deleterious effect on protein structure/function; Has not been previously published as pathogenic or benign to our knowledge

NM_018896.5(CACNA1G):c.3142A>G (p.Met1048Val)

Gene: CACNA1G (calcium voltage-gated channel subunit alpha1 G; plus strand). Cytogenetic location: 17q21.33.
Variant type: single nucleotide variant.
Coding change: c.3142A>G on transcript NM_018896.5 (MANE Select); coding-DNA position 3142, A replaced by G.
Protein change: p.Met1048Val; replaces methionine 1048 with valine.
Molecular consequence: missense variant. On other transcripts: non-coding transcript variant (5).
Genome position (GRCh38, 1-based): chr17:50,596,807, A>G. VCF-style: chr17-50596807-A-G. GRCh37 (hg19) VCF-style: chr17-48674168-A-G.
Other names: c.3142A>G, p.Met1048Val (NM_001256324.2, NM_001256325.2, NM_001256326.2 and 16 more transcripts); c.3073A>G, p.Met1025Val (NM_001256332.2, NM_198376.3, NM_198379.3 and 5 more transcripts); short protein forms M1025V, M1048V.
Identifiers: ClinVar variation 5008719 (VCV005008719.1).